The following is an entry in ClinVar:

ClinVar aggregate classification (germline): Pathogenic (1 of 4 stars; one submission).

Conditions:
Developmental and epileptic encephalopathy 94 (DEE94). Also called: CHD2-Related Neurodevelopmental Disorders; Epileptic encephalopathy, childhood-onset. Identifiers: Orphanet 1942, Orphanet 2382, MedGen C3809278, MONDO:0014150, OMIM 615369.

Submission:

Labcorp Genetics (formerly Invitae), Labcorp
Classification: Pathogenic for Developmental and epileptic encephalopathy 94. Last evaluated: 2023-03-25. Review status: criteria provided, single submitter. Criteria: Invitae Variant Classification Sherloc (09022015). Collection method: clinical testing. Allele origin: germline.
Comment: This variant has not been reported in the literature in individuals affected with CHD2-related conditions. This variant is not present in population databases (gnomAD no frequency). This sequence change creates a premature translational stop signal (p.Asn1218Metfs*2) in the CHD2 gene. It is expected to result in an absent or disrupted protein product. Loss-of-function variants in CHD2 are known to be pathogenic (PMID: 23708187, 24207121). For these reasons, this variant has been classified as Pathogenic.

Literature cited by the submitters: PubMed 23708187; PubMed 24207121.

NM_001271.4(CHD2):c.3651del (p.Asn1218fs)

Gene: CHD2 (chromodomain helicase DNA binding protein 2; plus strand). Cytogenetic location: 15q26.1.
Variant type: Deletion.
Coding change: c.3651del on transcript NM_001271.4 (MANE Select); coding-DNA position 3651, one base deleted (T; older notation c.3651delT).
Protein change: p.Asn1218fs; shifts the reading frame from asparagine 1218.
Molecular consequence: frameshift variant.
Genome position (GRCh38, 1-based): chr15:92,997,012, T deleted; the last of 2 consecutive T bases (chr15:92,997,011-92,997,012); deleting either gives the same sequence. VCF-style (leftmost placement, unchanged base first): chr15-92997010-GT-G. GRCh37 (hg19) VCF-style: chr15-93540240-GT-G.
Other names: short protein forms N1218fs.
Identifiers: ClinVar variation 2849327 (VCV002849327.3), dbSNP rs2505589834, ClinGen allele CA2739269791.
Genomic context (GRCh38, chr15:92,997,010, plus strand): 5'-TTTTCAGGAAAAGGACCAGGGAAAAGGAGAGGTCCAACAATCAAGATATCCGGAGTTCAG[GT>G]TAATGTGAAATCCATTATCCAACATGAAGAGGAGTTTGAGATGCTGCATAAATCTATCCC-3'